The following is an entry in ClinVar:

NM_004239.4(TRIP11):c.5149A>T (p.Ile1717Leu)

Gene: TRIP11 (thyroid hormone receptor interactor 11; minus strand). Cytogenetic location: 14q32.12.
Variant type: single nucleotide variant.
Coding change: c.5149A>T on transcript NM_004239.4 (MANE Select); coding-DNA position 5149, A replaced by T.
Protein change: p.Ile1717Leu; replaces isoleucine 1717 with leucine.
Molecular consequence: missense variant.
Genome position (GRCh38, 1-based): chr14:91,993,820, T>A on the plus strand (A>T on the coding strand, the complement: TRIP11 is on the minus strand). VCF-style: chr14-91993820-T-A. GRCh37 (hg19) VCF-style: chr14-92460164-T-A.
Other names: c.5146A>T, p.Ile1716Leu (NM_001321851.1); short protein forms I1717L, I1716L.
Identifiers: ClinVar variation 580662 (VCV000580662.7), dbSNP rs146963789, ClinGen allele CA7313274.

ClinVar aggregate classification (germline): Uncertain significance. Review status: criteria provided, multiple submitters, no conflicts (2 of 4 stars). 2 submissions from 2 submitters: Uncertain significance (2). Last evaluated 2024-07-02.

Conditions:
Achondrogenesis, type IA (ACG1A). Identifiers: Orphanet 932, Orphanet 93299, MedGen C0265273, MONDO:0008701, OMIM 200600.

Allele frequency attached by ClinVar (database versions not stated): gnomAD exomes 0.00007; ExAC 0.00008; gnomAD 0.00008; TOPMed 0.00012; 1000 Genomes Project 30x 0.00016; 1000 Genomes Project 0.00020; ESP Exome Variant Server 0.00023.
gnomAD v4.1: 131 of 1,613,132 alleles (0.0081%); highest among the groups gnomAD compares: Non-Finnish European, 0.01%; no homozygotes.

Submissions (2):

Blueprint Genetics
Classification: Uncertain significance. Last evaluated: 2024-07-02. Review status: criteria provided, single submitter. Criteria: ACMG Guidelines, 2015. Collection method: clinical testing. Allele origin: germline.

Labcorp Genetics (formerly Invitae), Labcorp
Classification: Uncertain significance for Achondrogenesis, type IA. Last evaluated: 2022-06-13. Review status: criteria provided, single submitter. Criteria: Invitae Variant Classification Sherloc (09022015). Collection method: clinical testing. Allele origin: germline.
Comment: This sequence change replaces isoleucine, which is neutral and non-polar, with leucine, which is neutral and non-polar, at codon 1717 of the TRIP11 protein (p.Ile1717Leu). This variant is present in population databases (rs146963789, gnomAD 0.01%). This variant has not been reported in the literature in individuals affected with TRIP11-related conditions. ClinVar contains an entry for this variant (Variation ID: 580662). Algorithms developed to predict the effect of missense changes on protein structure and function output the following: SIFT: "Not Available"; PolyPhen-2: "Benign"; Align-GVGD: "Not Available". The leucine amino acid residue is found in multiple mammalian species, which suggests that this missense change does not adversely affect protein function. In summary, the available evidence is currently insufficient to determine the role of this variant in disease. Therefore, it has been classified as a Variant of Uncertain Significance.